The following is an entry in ClinVar:

NM_015046.7(SETX):c.5362T>G (p.Trp1788Gly)

Gene: SETX (senataxin; minus strand). Cytogenetic location: 9q34.13.
Variant type: single nucleotide variant.
Coding change: c.5362T>G on transcript NM_015046.7 (MANE Select); coding-DNA position 5362, T replaced by G.
Protein change: p.Trp1788Gly; replaces tryptophan 1788 with glycine.
Molecular consequence: missense variant.
Genome position (GRCh38, 1-based): chr9:132,311,769, A>C on the plus strand (T>G on the coding strand, the complement: SETX is on the minus strand). VCF-style: chr9-132311769-A-C. GRCh37 (hg19) VCF-style: chr9-135187156-A-C.
Other names: c.5362T>G, p.Trp1788Gly (NM_001351527.2, NM_001351528.2); short protein forms W1788G.
Identifiers: ClinVar variation 2924943 (VCV002924943.3), dbSNP rs1178125929, ClinGen allele CA375320056.

ClinVar aggregate classification (germline): Uncertain significance (1 of 4 stars; one submission).

Conditions:
Amyotrophic lateral sclerosis type 4 (ALS4). Also called: AMYOTROPHIC LATERAL SCLEROSIS 4, JUVENILE; NEURONOPATHY, DISTAL HEREDITARY MOTOR, WITH PYRAMIDAL FEATURES. Identifiers: Orphanet 357043, MedGen C1865409, MONDO:0011223, OMIM 602433.
Spinocerebellar ataxia, autosomal recessive, with axonal neuropathy 2 (SCAN2). Also called: ATAXIA-OCULOMOTOR APRAXIA 2; Ataxia with Oculomotor Apraxia Type 2; Ataxia-ocular apraxia-2; Ataxia with Oculomotor Apraxia. Identifiers: Orphanet 64753, MedGen C1853761, MONDO:0018996, OMIM 606002.

gnomAD v4.1: 1 of 1,611,582 alleles (0.000062%); highest among the groups gnomAD compares: East Asian, 0.0022%; no homozygotes.

Submission:

Labcorp Genetics (formerly Invitae), Labcorp
Classification: Uncertain significance for Amyotrophic lateral sclerosis type 4; Spinocerebellar ataxia, autosomal recessive, with axonal neuropathy 2. Last evaluated: 2023-07-09. Review status: criteria provided, single submitter. Criteria: Invitae Variant Classification Sherloc (09022015). Collection method: clinical testing. Allele origin: germline.
Comment: In summary, the available evidence is currently insufficient to determine the role of this variant in disease. Therefore, it has been classified as a Variant of Uncertain Significance. Advanced modeling of protein sequence and biophysical properties (such as structural, functional, and spatial information, amino acid conservation, physicochemical variation, residue mobility, and thermodynamic stability) performed at Invitae indicates that this missense variant is not expected to disrupt SETX protein function. This variant has not been reported in the literature in individuals affected with SETX-related conditions. This variant is not present in population databases (gnomAD no frequency). This sequence change replaces tryptophan, which is neutral and slightly polar, with glycine, which is neutral and non-polar, at codon 1788 of the SETX protein (p.Trp1788Gly).